The following is an entry in ClinVar:

ClinVar aggregate classification (germline): Likely benign. Review status: reviewed by expert panel (3 of 4 stars). 2 submissions from 2 submitters: Likely benign (1). 1 of the submissions does not count toward it. Last evaluated 2024-11-04.

Conditions:
Hereditary thrombocytopenia and hematological cancer predisposition syndrome associated with RUNX1. Also called: RUNX1 Familial Platelet Disorder with Associated Myeloid Malignancies; Familial Platelet Disorder with Propensity to Acute Myelogenous Leukemia; Familial thrombocytopenia with propensity to acute myelogenous leukemia; PLATELET DISORDER, ASPIRIN-LIKE. Identifiers: Orphanet 71290, MedGen C1832388, MeSH C563324, MONDO:0100083, OMIM 601399.
Hereditary thrombocytopenia and hematologic cancer predisposition syndrome. Identifiers: Orphanet 71290, MedGen CN281654, MONDO:0011071.

gnomAD v4.1: 1 of 1,613,676 alleles (0.000062%); highest among the groups gnomAD compares: South Asian, 0.0011%; no homozygotes.

Submissions (2):

ClinGen Myeloid Malignancy Variant Curation Expert Panel
Classification: Likely benign for Hereditary thrombocytopenia and hematologic cancer predisposition syndrome. Last evaluated: 2024-11-04. Review status: reviewed by expert panel. Criteria: ClinGen MyeloMalig ACMG Specifications v2. Collection method: curation. Allele origin: germline. Inheritance: Autosomal dominant inheritance.
Comment: NM_001754.5(RUNX1):c.352-19T>C is an intronic variant which has a SpliceAI score ≤ 0.20 (0.0) (BP4). This variant has a SpliceAI score ≤ 0.20 (0.0) and evolutionary conservation prediction algorithms predict the site as not being conserved (PhyloP score ≤ 2.0 (0.74) (BP7). This variant is completely absent from all population databases with at least 20x coverage for RUNX1 (PM2_Supporting). In summary, this variant meets criteria to be classified as likely benign. ACMG/AMP criteria applied, as specified by the Myeloid Malignancy Variant Curation Expert Panel for RUNX1: BP4, BP7, PM2_supporting.

Labcorp Genetics (formerly Invitae), Labcorp
Classification: Likely benign for Hereditary thrombocytopenia and hematological cancer predisposition syndrome associated with RUNX1. Last evaluated: 2023-03-19. Review status: criteria provided, single submitter. Criteria: Invitae Variant Classification Sherloc (09022015). Collection method: clinical testing. Allele origin: germline. Not counted in ClinVar's aggregate classification.

NM_001754.5(RUNX1):c.352-19T>C

Genes: RUNX1 (RUNX family transcription factor 1; minus strand), RUNX1-AS1 (RUNX1 antisense RNA 1; plus strand). Cytogenetic location: 21q22.12.
Variant type: single nucleotide variant.
Coding change: c.352-19T>C on transcript NM_001754.5 (MANE Select); 19 bases into the intron before coding-DNA position 352, T replaced by C.
Molecular consequence: intron variant.
Genome position (GRCh38, 1-based): chr21:34,880,732, A>G on the plus strand (T>C on the coding strand, the complement: RUNX1 is on the minus strand). VCF-style: chr21-34880732-A-G. GRCh37 (hg19) VCF-style: chr21-36253029-A-G.
Other names: c.271-19T>C (NM_001001890.3, NM_001122607.2).
Identifiers: ClinVar variation 2903884 (VCV002903884.4), dbSNP rs2146364415, ClinGen allele CA2654380174.